The following is an entry in ClinVar:

NM_001353921.2(ARHGEF9):c.1429C>T (p.Pro477Ser)

Gene: ARHGEF9 (Cdc42 guanine nucleotide exchange factor 9; minus strand). Cytogenetic location: Xq11.1.
Variant type: single nucleotide variant.
Coding change: c.1429C>T on transcript NM_001353921.2 (MANE Select); coding-DNA position 1429, C replaced by T.
Protein change: p.Pro477Ser; replaces proline 477 with serine.
Molecular consequence: missense variant. On other transcripts: 3 prime UTR variant (2).
Genome position (GRCh38, 1-based): chrX:63,638,171, G>A on the plus strand (C>T on the coding strand, the complement: ARHGEF9 is on the minus strand). VCF-style: chrX-63638171-G-A. GRCh37 (hg19) VCF-style: chrX-62858051-G-A.
Other names: c.1249C>T, p.Pro417Ser (NM_001173479.2); c.1102C>T, p.Pro368Ser (NM_001173480.2, NM_001369042.1); c.1345C>T, p.Pro449Ser (NM_001330495.2, NM_001369033.1, NM_001369034.1 and 4 more transcripts); c.1297C>T, p.Pro433Ser (NM_001353922.2); c.1447C>T, p.Pro483Ser (NM_001353923.1); c.1228C>T, p.Pro410Ser (NM_001353924.2, NM_001353926.2, NM_001369039.1 and 1 more transcripts); c.1213C>T, p.Pro405Ser (NM_001353927.2, NM_001369041.1); c.1276C>T, p.Pro426Ser (NM_001353928.2); and 3 more; short protein forms P426S, P449S, P477S, P417S, P433S, P470S, P368S, P483S.
Identifiers: ClinVar variation 4994383 (VCV004994383.1).

ClinVar aggregate classification (germline): Uncertain significance (1 of 4 stars; one submission).

Conditions:
ARHGEF9-related disorder. Also called: ARHGEF9-related condition.

Submission:

PreventionGenetics, part of Exact Sciences
Classification: Uncertain significance for ARHGEF9-related condition. Last evaluated: 2026-04-14. Review status: criteria provided, single submitter. Criteria: ACMG Guidelines, 2015. Collection method: clinical testing. Allele origin: germline.
Comment: The ARHGEF9 c.1408C>T variant is predicted to result in the amino acid substitution p.Pro470Ser. To our knowledge, this variant has not been reported in the literature or in a large population database (gnomAD), indicating this variant is rare. At this time, the clinical significance of this variant is uncertain due to the absence of conclusive functional and genetic evidence.